The following is an entry in ClinVar:

ClinVar aggregate classification (germline): Pathogenic (1 of 4 stars; one submission).

Conditions:
Aortic valve disease 2 (AOVD2). Identifiers: MedGen C3542024, MONDO:0013902, OMIM 614823.

Submission:

Labcorp Genetics (formerly Invitae), Labcorp
Classification: Pathogenic for Aortic valve disease 2. Last evaluated: 2022-01-05. Review status: criteria provided, single submitter. Criteria: Invitae Variant Classification Sherloc (09022015). Collection method: clinical testing. Allele origin: germline.
Comment: This sequence change affects an acceptor splice site in intron 2 of the TBX5 gene. It is expected to disrupt RNA splicing. Variants that disrupt the donor or acceptor splice site typically lead to a loss of protein function (PMID: 16199547), and loss-of-function variants in TBX5 are known to be pathogenic (PMID: 16183809, 16917909). This variant is not present in population databases (gnomAD no frequency). For these reasons, this variant has been classified as Pathogenic. Algorithms developed to predict the effect of sequence changes on RNA splicing suggest that this variant may disrupt the consensus splice site. Disruption of this splice site has been observed in individual(s) with Holt-Oram syndrome (PMID: 30552424; Invitae).

Literature cited by the submitters: PubMed 16199547; PubMed 16183809; PubMed 16917909; PubMed 30552424.

NM_181486.4(TBX5):c.148-2A>C

Gene: TBX5 (T-box transcription factor 5; minus strand). Cytogenetic location: 12q24.21.
Variant type: single nucleotide variant.
Coding change: c.148-2A>C on transcript NM_181486.4 (MANE Select); the canonical splice acceptor site of the intron before coding-DNA position 148, A replaced by C.
Molecular consequence: splice acceptor variant.
Genome position (GRCh38, 1-based): chr12:114,401,922, T>G on the plus strand (A>C on the coding strand, the complement: TBX5 is on the minus strand). VCF-style: chr12-114401922-T-G. GRCh37 (hg19) VCF-style: chr12-114839727-T-G.
Other names: c.-3-2A>C (NM_080717.4); c.148-2A>C (NM_000192.3).
Identifiers: ClinVar variation 2075482 (VCV002075482.4), dbSNP rs1565942511, ClinGen allele CA386863352.
Genomic context (GRCh38, chr12:114,401,922, plus strand): 5'-TCGTGGAATTTTAGCCACAGTTCTCTTTCATGGAGAAACACTTTGATTCCCTCCATGCCC[T>G]GCAAGAAGGAGAAAAAAGTCACACTAACAAGCCCTGGCAGTAGTGGGCATTCCTTCCCCA-3'